The following is an entry in ClinVar:

NM_000361.3(THBD):c.1208G>A (p.Arg403Lys)

Gene: THBD (thrombomodulin; minus strand). Cytogenetic location: 20p11.21.
Variant type: single nucleotide variant.
Coding change: c.1208G>A on transcript NM_000361.3 (MANE Select); coding-DNA position 1208, G replaced by A.
Protein change: p.Arg403Lys; replaces arginine 403 with lysine.
Molecular consequence: missense variant.
Genome position (GRCh38, 1-based): chr20:23,048,297, C>T on the plus strand (G>A on the coding strand, the complement: THBD is on the minus strand). VCF-style: chr20-23048297-C-T. GRCh37 (hg19) VCF-style: chr20-23028934-C-T.
Other names: p.Arg403Lys; short protein forms R403K.
Identifiers: ClinVar variation 337884 (VCV000337884.23), dbSNP rs41400249, ClinGen allele CA9787598.
Genomic context (GRCh38, chr20:23,048,297, plus strand): 5'-GCCTGGGTGTTGGGGTCGCAGTCGGCTGGACAGGCAGTCTGGTTGCAAAACATCTGGCAC[C>T]TGTGCGGCTCGTGGGGAATGGGCGCGAAGCCCTCGGCGCAGACGCAGAGGTAGCTAGTTT-3'
Protein context (NP_000352.1, residues 393-413): GFAPIPHEPH[Arg403Lys]CQMFCNQTAC

ClinVar aggregate classification (germline): Benign/Likely benign. Review status: criteria provided, multiple submitters, no conflicts (2 of 4 stars). 9 submissions from 9 submitters: Benign (1); Likely benign (7). 1 of the submissions does not count toward it. Last evaluated 2026-09-01.

Conditions:
Thrombomodulin-related bleeding disorder (THPH12). Also called: Thrombophilia due to thrombomodulin defect. Identifiers: Orphanet 436169, MedGen C3280976, MONDO:0013775, OMIM 614486.
Atypical hemolytic-uremic syndrome with thrombomodulin anomaly. Also called: HEMOLYTIC UREMIC SYNDROME, ATYPICAL, SUSCEPTIBILITY TO, 6; AHUS, SUSCEPTIBILITY TO, 6. Identifiers: MedGen C2752036, MONDO:0013044, OMIM 612926. Disease mechanism: gain of function.
THBD-related disorder. Also called: THBD-related condition.

Allele frequency attached by ClinVar (database versions not stated): ESP Exome Variant Server 0.00023; gnomAD 0.00036 and 0.00048; ExAC 0.00071; TOPMed 0.00075; 1000 Genomes Project 30x 0.00094; gnomAD exomes 0.00099; 1000 Genomes Project 0.00120.
gnomAD v4.1: 624 of 1,613,952 alleles (0.039%); highest among the groups gnomAD compares: East Asian, 0.5%; 5 homozygotes.

Submissions (9):

CeGaT Center for Human Genetics Tuebingen
Classification: Likely benign. Last evaluated: 2026-09-01. Review status: criteria provided, single submitter. Criteria: CeGaT Center For Human Genetics Tuebingen Variant Classification Criteria Version 2. Collection method: clinical testing. Allele origin: germline. Affected: yes. Observed: 2 variant alleles.
Comment: THBD: BP4

Women's Health and Genetics/Laboratory Corporation of America, LabCorp
Classification: Likely benign. Last evaluated: 2026-04-20. Review status: criteria provided, single submitter. Criteria: LabCorp Variant Classification Summary - May 2015. Collection method: clinical testing. Allele origin: germline.

Labcorp Genetics (formerly Invitae), Labcorp
Classification: Likely benign. Last evaluated: 2026-01-27. Review status: criteria provided, single submitter. Criteria: Invitae Variant Classification Sherloc (09022015). Collection method: clinical testing. Allele origin: germline.

Genomenon, Inc
Classification: Likely benign for Thrombomodulin-related bleeding disorder. Last evaluated: 2025-09-22. Review status: criteria provided, single submitter. Criteria: Genomenon Sequence Variant Interpretation Standards - Updated. Collection method: curation. Allele origin: germline. Affected: no.
Comment: THBD p.Arg403Lys (c.1208G>A) is a missense variant that changes the amino acid at residue 403 from Arginine to Lysine. This variant has been reported in the published literature (PMID:29566171;34648498;37567446;26011580;25135378;16507317). In conclusion, we classify THBD p.Arg403Lys (c.1208G>A) as a likely benign variant.

Mayo Clinic Laboratories, Mayo Clinic
Classification: Benign. Last evaluated: 2025-08-05. Review status: criteria provided, single submitter. Criteria: ACMG Guidelines, 2015. Collection method: clinical testing. Allele origin: germline. Observed: 6 variant alleles.
Comment: BS1, BS2

Blueprint Genetics
Classification: Likely benign. Last evaluated: 2024-11-19. Review status: criteria provided, single submitter. Criteria: ACMG Guidelines, 2015. Collection method: clinical testing. Allele origin: germline.

Fulgent Genetics
Classification: Likely benign for Atypical hemolytic-uremic syndrome with thrombomodulin anomaly; Thrombomodulin-related bleeding disorder. Last evaluated: 2022-04-11. Review status: criteria provided, single submitter. Criteria: ACMG Guidelines, 2015. Collection method: clinical testing. Allele origin: unknown.

Illumina Laboratory Services, Illumina
Classification: Likely benign for Atypical hemolytic-uremic syndrome with thrombomodulin anomaly. Last evaluated: 2017-04-28. Review status: criteria provided, single submitter. Criteria: ICSL Variant Classification Criteria 13 December 2019. Collection method: clinical testing. Allele origin: germline.
Comment: This variant was observed as part of a predisposition screen in an ostensibly healthy population. A literature search was performed for the gene, cDNA change, and amino acid change (where applicable). Publications were found based on this search. The evidence from the literature, in combination with allele frequency data from public databases where available, was sufficient to determine this variant is unlikely to cause disease. Therefore, this variant is classified as likely benign.

PreventionGenetics, part of Exact Sciences
Classification: Likely benign for THBD-related condition. Last evaluated: 2023-09-14. Review status: no assertion criteria provided. Collection method: clinical testing. Allele origin: germline. Not counted in ClinVar's aggregate classification.
Comment: This variant is classified as likely benign based on ACMG/AMP sequence variant interpretation guidelines (Richards et al. 2015 PMID: 25741868, with internal and published modifications).

Literature cited by the submitters: PubMed 29566171 (cited by Genomenon, Inc); PubMed 34648498 (cited by Genomenon, Inc); PubMed 37567446 (cited by Genomenon, Inc); PubMed 26011580 (cited by Genomenon, Inc); PubMed 25135378 (cited by 3 submitters); PubMed 16507317 (cited by Genomenon, Inc).